The following is an entry in ClinVar:

ClinVar aggregate classification (germline): Benign/Likely benign. Review status: criteria provided, multiple submitters, no conflicts (2 of 4 stars). 5 submissions from 5 submitters: Benign (3); Likely benign (2). Last evaluated 2026-07-01.

Allele frequency attached by ClinVar (database versions not stated): 1000 Genomes Project 30x 0.00406; 1000 Genomes Project 0.00459; ESP Exome Variant Server 0.00887.
gnomAD v4.1: 18,511 of 1,599,798 alleles (1.2%); highest among the groups gnomAD compares: Middle Eastern, 1.6%; 133 homozygotes.

Submissions (5):

CeGaT Center for Human Genetics Tuebingen
Classification: Benign. Last evaluated: 2026-07-01. Review status: criteria provided, single submitter. Criteria: CeGaT Center For Human Genetics Tuebingen Variant Classification Criteria Version 2. Collection method: clinical testing. Allele origin: germline. Affected: yes. Observed: 23 variant alleles.
Comment: IDUA: BS1, BS2; SLC26A1: BS1, BS2

Labcorp Genetics (formerly Invitae), Labcorp
Classification: Benign. Last evaluated: 2026-01-28. Review status: criteria provided, single submitter. Criteria: Invitae Variant Classification Sherloc (09022015). Collection method: clinical testing. Allele origin: germline.

Mayo Clinic Laboratories, Mayo Clinic
Classification: Benign. Last evaluated: 2023-01-09. Review status: criteria provided, single submitter. Criteria: ACMG Guidelines, 2015. Collection method: clinical testing. Allele origin: germline. Observed: 5 variant alleles.
Comment: BS1, BS2, BS3

GeneDx
Classification: Likely benign. Last evaluated: 2020-05-04. Review status: criteria provided, single submitter. Criteria: GeneDx Variant Classification Process June 2021. Collection method: clinical testing. Allele origin: germline. Affected: yes.

Breakthrough Genomics
Classification: Likely benign. Review status: criteria provided, single submitter. Criteria: ACMG Guidelines, 2015. Collection method: not provided. Allele origin: germline. Inheritance: Autosomal recessive inheritance. Affected: yes.

Literature cited by the submitters: PubMed 27125215 (cited by Mayo Clinic Laboratories, Mayo Clinic).

NM_000203.5(IDUA):c.299+3632G>C

Genes: IDUA (alpha-L-iduronidase; plus strand), SLC26A1 (solute carrier family 26 member 1; minus strand). Cytogenetic location: 4p16.3.
Variant type: single nucleotide variant.
Coding change: c.299+3632G>C on transcript NM_000203.5 (MANE Select); 3632 bases into the intron after coding-DNA position 299, G replaced by C.
Molecular consequence: intron variant. On other transcripts: missense variant (3).
Genome position (GRCh38, 1-based): chr4:991,581, G>C. VCF-style: chr4-991581-G-C. GRCh37 (hg19) VCF-style: chr4-985369-G-C.
Other names: p.Cys41Trp; c.123C>G, p.Cys41Trp (NM_022042.4, NM_134425.4, NM_213613.4); short protein forms C41W.
Identifiers: ClinVar variation 1166796 (VCV001166796.40), dbSNP rs143974931, ClinGen allele CA2801768.